The following is an entry in ClinVar:

NM_000548.5(TSC2):c.3007G>A (p.Ala1003Thr)

Gene: TSC2 (TSC complex subunit 2; plus strand). Cytogenetic location: 16p13.3.
Variant type: single nucleotide variant.
Coding change: c.3007G>A on transcript NM_000548.5 (MANE Select); coding-DNA position 3007, G replaced by A.
Protein change: p.Ala1003Thr; replaces alanine 1003 with threonine.
Molecular consequence: missense variant.
Genome position (GRCh38, 1-based): chr16:2,079,072, G>A. VCF-style: chr16-2079072-G-A. GRCh37 (hg19) VCF-style: chr16-2129073-G-A.
Other names: c.2875G>A, p.Ala959Thr (NM_001077183.3, NM_001370404.1); c.3007G>A, p.Ala1003Thr (NM_001114382.3); c.2767G>A, p.Ala923Thr (NM_001318827.2); c.2731G>A, p.Ala911Thr (NM_001318829.2); c.2275G>A, p.Ala759Thr (NM_001318831.2); c.2908G>A, p.Ala970Thr (NM_001318832.2); c.2878G>A, p.Ala960Thr (NM_001363528.2, NM_001370405.1, NM_021055.3); short protein forms A1003T, A759T, A960T, A923T, A970T, A911T, A959T.
Identifiers: ClinVar variation 467985 (VCV000467985.16), dbSNP rs1555510234, ClinGen allele CA394283816.

ClinVar aggregate classification (germline): Uncertain significance. Review status: criteria provided, multiple submitters, no conflicts (2 of 4 stars). 4 submissions from 4 submitters: Uncertain significance (4). Last evaluated 2025-09-28.

Conditions:
Tuberous sclerosis 2 (TSC2). Identifiers: Orphanet 805, MedGen C1860707, MONDO:0013199, OMIM 613254.
Hereditary cancer-predisposing syndrome. Also called: Hereditary neoplastic syndrome; Neoplastic Syndromes, Hereditary; Tumor predisposition; Hereditary Cancer Syndrome. Identifiers: Orphanet 140162, MedGen C0027672, MeSH D009386, MONDO:0015356.
Tuberous sclerosis syndrome (TSC). Also called: Tuberous Sclerosis Complex; Tuberous sclerosis. Identifiers: Orphanet 805, MedGen C0041341, MONDO:0001734.

Allele frequency attached by ClinVar (database versions not stated): gnomAD exomes 0.00001.
gnomAD v4.1: 7 of 1,612,998 alleles (0.00043%); highest among the groups gnomAD compares: Non-Finnish European, 0.00059%; no homozygotes.

Submissions (4):

Labcorp Genetics (formerly Invitae), Labcorp
Classification: Uncertain significance for Tuberous sclerosis 2. Last evaluated: 2025-09-28. Review status: criteria provided, single submitter. Criteria: Invitae Variant Classification Sherloc (09022015). Collection method: clinical testing. Allele origin: germline.
Comment: This sequence change replaces alanine, which is neutral and non-polar, with threonine, which is neutral and polar, at codon 1003 of the TSC2 protein (p.Ala1003Thr). This variant is not present in population databases (gnomAD no frequency). This variant has not been reported in the literature in individuals affected with TSC2-related conditions. ClinVar contains an entry for this variant (Variation ID: 467985). Invitae Evidence Modeling of protein sequence and biophysical properties (such as structural, functional, and spatial information, amino acid conservation, physicochemical variation, residue mobility, and thermodynamic stability) indicates that this missense variant is not expected to disrupt TSC2 protein function with a negative predictive value of 95%. In summary, the available evidence is currently insufficient to determine the role of this variant in disease. Therefore, it has been classified as a Variant of Uncertain Significance.

Ambry Genetics
Classification: Uncertain significance for Hereditary cancer-predisposing syndrome. Last evaluated: 2024-09-24. Review status: criteria provided, single submitter. Criteria: Ambry Variant Classification Scheme 2023. Collection method: clinical testing. Allele origin: germline.
Comment: The p.A1003T variant (also known as c.3007G>A), located in coding exon 26 of the TSC2 gene, results from a G to A substitution at nucleotide position 3007. The alanine at codon 1003 is replaced by threonine, an amino acid with similar properties. This amino acid position is conserved. In addition, this alteration is predicted to be deleterious by in silico analysis. Since supporting evidence is limited at this time, the clinical significance of this alteration remains unclear.

All of Us Research Program, National Institutes of Health
Classification: Uncertain significance for Tuberous sclerosis syndrome. Last evaluated: 2023-08-15. Review status: criteria provided, single submitter. Criteria: ACMG Guidelines, 2015. Collection method: clinical testing. Allele origin: germline. Inheritance: Autosomal dominant inheritance. Observed: 1 variant allele, 1 heterozygote.
Comment: This study involves interpretation of variants in research participants for the purpose of population health screening. Participant phenotype was not available at the time of variant classification. Additional details can be found in publication PMID: 35346344, PMCID: PMC8962531

GeneDx
Classification: Uncertain significance. Last evaluated: 2022-12-13. Review status: criteria provided, single submitter. Criteria: GeneDx Variant Classification Process June 2021. Collection method: clinical testing. Allele origin: germline. Affected: yes.
Comment: Not observed at significant frequency in large population cohorts (gnomAD); In silico analysis supports that this missense variant does not alter protein structure/function; Has not been previously published as pathogenic or benign to our knowledge